The following is an entry in ClinVar:

NM_004960.4(FUS):c.1171C>G (p.Pro391Ala)

Gene: FUS (FUS RNA binding protein; plus strand). Cytogenetic location: 16p11.2.
Variant type: single nucleotide variant.
Coding change: c.1171C>G on transcript NM_004960.4 (MANE Select); coding-DNA position 1171, C replaced by G.
Protein change: p.Pro391Ala; replaces proline 391 with alanine.
Molecular consequence: missense variant. On other transcripts: non-coding transcript variant (1).
Genome position (GRCh38, 1-based): chr16:31,190,277, C>G. VCF-style: chr16-31190277-C-G. GRCh37 (hg19) VCF-style: chr16-31201598-C-G.
Other names: c.1168C>G, p.Pro390Ala (NM_001170634.1); c.1159C>G, p.Pro387Ala (NM_001170937.1); short protein forms P391A, P390A, P387A.
Identifiers: ClinVar variation 540278 (VCV000540278.10), dbSNP rs560450437, ClinGen allele CA8023969.

ClinVar aggregate classification (germline): Conflicting classifications of pathogenicity. Review status: criteria provided, conflicting classifications (1 of 4 stars). 2 submissions from 2 submitters: Uncertain significance (1); Likely benign (1). Last evaluated 2025-12-08.

Conditions:
Amyotrophic lateral sclerosis type 6. Also called: Amyotrophic lateral sclerosis 6, with or without frontotemporal dementia; FUS-Related Amyotrophic Laterial Sclerosis; AMYOTROPHIC LATERAL SCLEROSIS 6 WITHOUT FRONTOTEMPORAL DEMENTIA. Identifiers: Orphanet 275872, Orphanet 803, MedGen C2931786, MONDO:0011951, OMIM 608030.
Tremor, hereditary essential, 4 (ETM4). Identifiers: MedGen C3539195, MONDO:0013888, OMIM 614782.
Inborn genetic diseases. Identifiers: MedGen C0950123, MeSH D030342.

Allele frequency attached by ClinVar (database versions not stated): gnomAD below 0.00001 and 0.00002; TOPMed 0.00001; gnomAD exomes 0.00005; ExAC 0.00006; 1000 Genomes Project 30x 0.00016; 1000 Genomes Project 0.00020.
gnomAD v4.1: 48 of 1,614,002 alleles (0.003%); highest among the groups gnomAD compares: South Asian, 0.047%; no homozygotes.

Submissions (2):

Ambry Genetics
Classification: Likely benign for Inborn genetic diseases. Last evaluated: 2025-12-08. Review status: criteria provided, single submitter. Criteria: Ambry Variant Classification Scheme 2023. Collection method: clinical testing. Allele origin: germline.

Labcorp Genetics (formerly Invitae), Labcorp
Classification: Uncertain significance for Tremor, hereditary essential, 4; Amyotrophic lateral sclerosis type 6. Last evaluated: 2024-11-10. Review status: criteria provided, single submitter. Criteria: Invitae Variant Classification Sherloc (09022015). Collection method: clinical testing. Allele origin: germline.
Comment: This sequence change replaces proline, which is neutral and non-polar, with alanine, which is neutral and non-polar, at codon 391 of the FUS protein (p.Pro391Ala). This variant is present in population databases (rs560450437, gnomAD 0.04%). This variant has not been reported in the literature in individuals affected with FUS-related conditions. ClinVar contains an entry for this variant (Variation ID: 540278). An algorithm developed to predict the effect of missense changes on protein structure and function (PolyPhen-2) suggests that this variant is likely to be disruptive. In summary, the available evidence is currently insufficient to determine the role of this variant in disease. Therefore, it has been classified as a Variant of Uncertain Significance.